The following is an entry in ClinVar:

NM_206933.4(USH2A):c.588T>A (p.Pro196=)

Gene: USH2A (usherin; minus strand). Cytogenetic location: 1q41.
Variant type: single nucleotide variant.
Coding change: c.588T>A on transcript NM_206933.4 (MANE Select); coding-DNA position 588, T replaced by A.
Protein change: p.Pro196=; no amino-acid change (proline 196 retained).
Molecular consequence: synonymous variant.
Genome position (GRCh38, 1-based): chr1:216,418,577, A>T on the plus strand (T>A on the coding strand, the complement: USH2A is on the minus strand). VCF-style: chr1-216418577-A-T. GRCh37 (hg19) VCF-style: chr1-216591919-A-T.
Other names: c.588T>A, p.Pro196= (NM_007123.6).
Identifiers: ClinVar variation 4990419 (VCV004990419.1).

ClinVar aggregate classification (germline): Likely benign (1 of 4 stars; one submission).

Conditions:
USH2A-related disorder. Also called: USH2A-related disorders; USH2A-related condition. Identifiers: MedGen CN239332.

Submission:

PreventionGenetics, part of Exact Sciences
Classification: Likely benign for USH2A-related condition. Last evaluated: 2026-09-15. Review status: criteria provided, single submitter. Criteria: ACMG Guidelines, 2015. Collection method: clinical testing. Allele origin: germline.
Comment: This variant is classified as likely benign based on ACMG/AMP sequence variant interpretation guidelines (Richards et al. 2015 PMID: 25741868, with internal and published modifications).